The following is an entry in ClinVar:

NM_001145809.2(MYH14):c.5917G>A (p.Glu1973Lys)

Gene: MYH14 (myosin heavy chain 14; plus strand). Cytogenetic location: 19q13.33.
Variant type: single nucleotide variant.
Coding change: c.5917G>A on transcript NM_001145809.2 (MANE Select); coding-DNA position 5917, G replaced by A.
Protein change: p.Glu1973Lys; replaces glutamic acid 1973 with lysine.
Molecular consequence: missense variant.
Genome position (GRCh38, 1-based): chr19:50,309,134, G>A. VCF-style: chr19-50309134-G-A. GRCh37 (hg19) VCF-style: chr19-50812391-G-A.
Other names: c.5818G>A, p.Glu1940Lys (NM_001077186.2); c.5794G>A, p.Glu1932Lys (NM_024729.4); short protein forms E1932K, E1940K, E1973K.
Identifiers: ClinVar variation 1347921 (VCV001347921.10), dbSNP rs1383282169, ClinGen allele CA406965770.

ClinVar aggregate classification (germline): Uncertain significance. Review status: criteria provided, multiple submitters, no conflicts (2 of 4 stars). 2 submissions from 2 submitters: Uncertain significance (2). Last evaluated 2023-05-09.

Allele frequency attached by ClinVar (database versions not stated): TOPMed below 0.00001; gnomAD exomes 0.00001.
gnomAD v4.1: 10 of 1,613,892 alleles (0.00062%); highest among the groups gnomAD compares: Admixed American, 0.005%; no homozygotes.

Submissions (2):

GeneDx
Classification: Uncertain significance. Last evaluated: 2023-05-09. Review status: criteria provided, single submitter. Criteria: GeneDx Variant Classification Process June 2021. Collection method: clinical testing. Allele origin: germline.
Comment: In silico analysis supports that this missense variant has a deleterious effect on protein structure/function; Has not been previously published as pathogenic or benign to our knowledge

Labcorp Genetics (formerly Invitae), Labcorp
Classification: Uncertain significance. Last evaluated: 2022-07-05. Review status: criteria provided, single submitter. Criteria: Invitae Variant Classification Sherloc (09022015). Collection method: clinical testing. Allele origin: germline.
Comment: This variant has not been reported in the literature in individuals affected with MYH14-related conditions. In summary, the available evidence is currently insufficient to determine the role of this variant in disease. Therefore, it has been classified as a Variant of Uncertain Significance. Algorithms developed to predict the effect of missense changes on protein structure and function (SIFT, PolyPhen-2, Align-GVGD) all suggest that this variant is likely to be disruptive. ClinVar contains an entry for this variant (Variation ID: 1347921). This variant is present in population databases (no rsID available, gnomAD 0.006%). This sequence change replaces glutamic acid, which is acidic and polar, with lysine, which is basic and polar, at codon 1932 of the MYH14 protein (p.Glu1932Lys).